The following is an entry in ClinVar:

NM_001845.6(COL4A1):c.2717-3dup

Gene: COL4A1 (collagen type IV alpha 1 chain; minus strand). Cytogenetic location: 13q34.
Variant type: Duplication.
Coding change: c.2717-3dup on transcript NM_001845.6 (MANE Select); 3 bases into the intron before coding-DNA position 2717, one base duplicated (C; older notation c.2717-3dupC).
Molecular consequence: intron variant.
Genome position (GRCh38, 1-based): chr13:110,177,040, G duplicated on the plus strand (C on the coding strand, the reverse complement: COL4A1 is on the minus strand). VCF-style (leftmost placement, unchanged base first): chr13-110177039-T-TG. GRCh37 (hg19) VCF-style: chr13-110829386-T-TG.
Identifiers: ClinVar variation 1429373 (VCV001429373.6), dbSNP rs748685515, ClinGen allele CA7047493.

ClinVar aggregate classification (germline): Uncertain significance (1 of 4 stars; one submission).

Allele frequency attached by ClinVar (database versions not stated): gnomAD exomes below 0.00001; ExAC 0.00001; gnomAD 0.00001; TOPMed 0.00001.

Submission:

Labcorp Genetics (formerly Invitae), Labcorp
Classification: Uncertain significance. Last evaluated: 2021-12-21. Review status: criteria provided, single submitter. Criteria: Invitae Variant Classification Sherloc (09022015). Collection method: clinical testing. Allele origin: germline.
Comment: In summary, the available evidence is currently insufficient to determine the role of this variant in disease. Therefore, it has been classified as a Variant of Uncertain Significance. Algorithms developed to predict the effect of sequence changes on RNA splicing suggest that this variant may disrupt the consensus splice site. This variant has not been reported in the literature in individuals affected with COL4A1-related conditions. This variant is not present in population databases (gnomAD no frequency). This sequence change falls in intron 33 of the COL4A1 gene. It does not directly change the encoded amino acid sequence of the COL4A1 protein.